The following is an entry in ClinVar:

NM_001447.3(FAT2):c.4524G>A (p.Thr1508=)

Genes: FAT2 (FAT atypical cadherin 2; minus strand), SLC36A1 (solute carrier family 36 member 1; plus strand). Cytogenetic location: 5q33.1.
Variant type: single nucleotide variant.
Coding change: c.4524G>A on transcript NM_001447.3 (MANE Select); coding-DNA position 4524, G replaced by A.
Protein change: p.Thr1508=; no amino-acid change (threonine 1508 retained).
Molecular consequence: synonymous variant.
Genome position (GRCh38, 1-based): chr5:151,550,644, C>T on the plus strand (G>A on the coding strand, the complement: FAT2 is on the minus strand). VCF-style: chr5-151550644-C-T. GRCh37 (hg19) VCF-style: chr5-150930205-C-T.
Identifiers: ClinVar variation 782248 (VCV000782248.37), dbSNP rs35489594, ClinGen allele CA3521537.

ClinVar aggregate classification (germline): Benign/Likely benign. Review status: criteria provided, multiple submitters, no conflicts (2 of 4 stars). 2 submissions from 2 submitters: Benign (1); Likely benign (1). Last evaluated 2026-09-01.

Allele frequency attached by ClinVar (database versions not stated): 1000 Genomes Project 0.00120; 1000 Genomes Project 30x 0.00125; TOPMed 0.00499; gnomAD 0.00525 and 0.00541; gnomAD exomes 0.00592 and 0.00680; ExAC 0.00597; ESP Exome Variant Server 0.00646.
gnomAD v4.1: 10,691 of 1,614,194 alleles (0.66%); highest among the groups gnomAD compares: Non-Finnish European, 0.79%; 59 homozygotes.

Submissions (2):

CeGaT Center for Human Genetics Tuebingen
Classification: Likely benign. Last evaluated: 2026-09-01. Review status: criteria provided, single submitter. Criteria: CeGaT Center For Human Genetics Tuebingen Variant Classification Criteria Version 2. Collection method: clinical testing. Allele origin: germline. Affected: yes. Observed: 17 variant alleles.
Comment: FAT2: BP4, BP7, BS2

Labcorp Genetics (formerly Invitae), Labcorp
Classification: Benign. Last evaluated: 2026-01-09. Review status: criteria provided, single submitter. Criteria: Invitae Variant Classification Sherloc (09022015). Collection method: clinical testing. Allele origin: germline.